The following is an entry in ClinVar:

NM_000400.4(ERCC2):c.1684C>A (p.Gln562Lys)

Gene: ERCC2 (ERCC excision repair 2, TFIIH core complex helicase subunit; minus strand). Cytogenetic location: 19q13.32.
Variant type: single nucleotide variant.
Coding change: c.1684C>A on transcript NM_000400.4 (MANE Select); coding-DNA position 1684, C replaced by A.
Protein change: p.Gln562Lys; replaces glutamine 562 with lysine.
Molecular consequence: missense variant.
Genome position (GRCh38, 1-based): chr19:45,353,316, G>T on the plus strand (C>A on the coding strand, the complement: ERCC2 is on the minus strand). VCF-style: chr19-45353316-G-T. GRCh37 (hg19) VCF-style: chr19-45856574-G-T.
Other names: short protein forms Q562K.
Identifiers: ClinVar variation 1777968 (VCV001777968.2), dbSNP rs2123229548, ClinGen allele CA406364509.
Genomic context (GRCh38, chr19:45,353,316, plus strand): 5'-CCAGGGCGACACTGGTTTCGGCACCATCCTGGGTCTCAATAAAGAGCAGCTTGTTCCTCT[G>T]GATGTTCTCAAGGATCCCCTGGGGAAGGACCCAGGGAGGTCAGGGTGGGTTCAGGGCACA-3'
Protein context (NP_000391.1, residues 552-572): WYEQGILENI[Gln562Lys]RNKLLFIETQ

ClinVar aggregate classification (germline): Uncertain significance (1 of 4 stars; one submission).

Conditions:
Inborn genetic diseases. Identifiers: MedGen C0950123, MeSH D030342.

Submission:

Ambry Genetics
Classification: Uncertain significance for Inborn genetic diseases. Last evaluated: 2022-10-04. Review status: criteria provided, single submitter. Criteria: Ambry Variant Classification Scheme 2023. Collection method: clinical testing. Allele origin: germline.
Comment: The p.Q562K variant (also known as c.1684C>A), located in coding exon 18 of the ERCC2 gene, results from a C to A substitution at nucleotide position 1684. The glutamine at codon 562 is replaced by lysine, an amino acid with similar properties. This amino acid position is conserved. In addition, the in silico prediction for this alteration is inconclusive. Since supporting evidence is limited at this time, the clinical significance of this alteration remains unclear.